The following is an entry in ClinVar:

ClinVar aggregate classification (germline): Conflicting classifications of pathogenicity. Review status: criteria provided, conflicting classifications (1 of 4 stars). 8 submissions from 8 submitters: Uncertain significance (1); Likely benign (7). Last evaluated 2026-05-13.

Conditions:
EVC2-related disorder. Also called: EVC2-related condition.
Ellis-van Creveld syndrome (EVC). Also called: MESOECTODERMAL DYSPLASIA; Chondroectodermal dysplasia. Identifiers: Orphanet 289, MedGen C0013903, MONDO:0009162, OMIM 225500.
Curry-Hall syndrome (WAD). Also called: WEYERS ACRODENTAL DYSOSTOSIS. Identifiers: Orphanet 952, MedGen C0457013, MONDO:0008673, OMIM 193530.

Allele frequency attached by ClinVar (database versions not stated): gnomAD 0.00044 and 0.00046; ESP Exome Variant Server 0.00100; gnomAD exomes 0.00047 and 0.00057; TOPMed 0.00049; ExAC 0.00050.
gnomAD v4.1: 900 of 1,614,136 alleles (0.056%); highest among the groups gnomAD compares: Middle Eastern, 0.066%; no homozygotes.

Submissions (8):

Women's Health and Genetics/Laboratory Corporation of America, LabCorp
Classification: Likely benign. Last evaluated: 2026-05-13. Review status: criteria provided, single submitter. Criteria: LabCorp Variant Classification Summary - May 2015. Collection method: clinical testing. Allele origin: germline.

Labcorp Genetics (formerly Invitae), Labcorp
Classification: Likely benign for Curry-Hall syndrome; Ellis-van Creveld syndrome. Last evaluated: 2026-02-04. Review status: criteria provided, single submitter. Criteria: Invitae Variant Classification Sherloc (09022015). Collection method: clinical testing. Allele origin: germline.

PreventionGenetics, part of Exact Sciences
Classification: Likely benign for EVC2-related condition. Last evaluated: 2024-11-20. Review status: criteria provided, single submitter. Criteria: ACMG Guidelines, 2015. Collection method: clinical testing. Allele origin: germline.
Comment: This variant is classified as likely benign based on ACMG/AMP sequence variant interpretation guidelines (Richards et al. 2015 PMID: 25741868, with internal and published modifications).

Blueprint Genetics
Classification: Likely benign. Last evaluated: 2024-10-02. Review status: criteria provided, single submitter. Criteria: ACMG Guidelines, 2015. Collection method: clinical testing. Allele origin: germline.

CeGaT Center for Human Genetics Tuebingen
Classification: Likely benign. Last evaluated: 2023-02-01. Review status: criteria provided, single submitter. Criteria: CeGaT Center For Human Genetics Tuebingen Variant Classification Criteria Version 2. Collection method: clinical testing. Allele origin: germline. Affected: yes. Observed: 2 variant alleles.
Comment: EVC2: BP4, BP7

GeneDx
Classification: Likely benign. Last evaluated: 2021-10-11. Review status: criteria provided, single submitter. Criteria: GeneDx Variant Classification Process June 2021. Collection method: clinical testing. Allele origin: germline. Affected: yes.

ARUP Laboratories, Molecular Genetics and Genomics, ARUP Laboratories
Classification: Likely benign. Last evaluated: 2019-05-27. Review status: criteria provided, single submitter. Criteria: ARUP Molecular Germline Variant Investigation Process. Collection method: clinical testing. Allele origin: germline.

Illumina Laboratory Services, Illumina
Classification: Uncertain significance for Ellis-van Creveld syndrome. Last evaluated: 2018-01-13. Review status: criteria provided, single submitter. Criteria: ICSL Variant Classification Criteria 13 December 2019. Collection method: clinical testing. Allele origin: germline.

NM_147127.5(EVC2):c.1452G>A (p.Leu484=)

Genes: EVC2 (EvC ciliary complex subunit 2; minus strand), LOC126806961 (BRD4-independent group 4 enhancer GRCh37_chr4:5641443-5642642; plus strand). Cytogenetic location: 4p16.2.
Variant type: single nucleotide variant.
Coding change: c.1452G>A on transcript NM_147127.5 (MANE Select); coding-DNA position 1452, G replaced by A.
Protein change: p.Leu484=; no amino-acid change (leucine 484 retained).
Molecular consequence: synonymous variant.
Genome position (GRCh38, 1-based): chr4:5,640,532, C>T on the plus strand (G>A on the coding strand, the complement: EVC2 is on the minus strand). VCF-style: chr4-5640532-C-T. GRCh37 (hg19) VCF-style: chr4-5642259-C-T.
Other names: c.1212G>A, p.Leu404= (NM_001166136.2).
Identifiers: ClinVar variation 772196 (VCV000772196.52), dbSNP rs137884710, ClinGen allele CA2835065.